The following is an entry in ClinVar:

ClinVar aggregate classification (germline): Pathogenic. Review status: criteria provided, multiple submitters, no conflicts (2 of 4 stars). 2 submissions from 2 submitters: Pathogenic (2). Last evaluated 2020-11-21.

Conditions:
Hereditary breast ovarian cancer syndrome. Also called: Hereditary breast and ovarian cancer syndrome (HBOC); BRCA1- and BRCA2-Associated Hereditary Breast and Ovarian Cancer; Hereditary breast and/or ovarian cancer syndrome; Hereditary breast and ovarian cancer syndrome; Hereditary breast and ovarian cancer; Breast and ovarian cancer. Identifiers: Orphanet 145, MedGen C0677776, MeSH D061325, MONDO:0003582. Disease mechanism: loss of function.
Hereditary cancer-predisposing syndrome. Also called: Neoplastic Syndromes, Hereditary; Hereditary neoplastic syndrome; Tumor predisposition; Hereditary Cancer Syndrome. Identifiers: Orphanet 140162, MedGen C0027672, MeSH D009386, MONDO:0015356.

Submissions (3):

Labcorp Genetics (formerly Invitae), Labcorp
Classification: Pathogenic for Hereditary breast ovarian cancer syndrome. Last evaluated: 2020-11-21. Review status: criteria provided, single submitter. Criteria: Invitae Variant Classification Sherloc (09022015). Collection method: clinical testing. Allele origin: germline.
Comment: This variant has not been reported in the literature in individuals with BRCA1-related conditions. ClinVar contains an entry for this variant (Variation ID: 462693). This sequence change creates a premature translational stop signal (p.Glu33*) in the BRCA1 gene. It is expected to result in an absent or disrupted protein product. Loss-of-function variants in BRCA1 are known to be pathogenic (PMID: 20104584). This variant is not present in population databases (ExAC no frequency). Algorithms developed to predict the effect of sequence changes on RNA splicing suggest that this variant may create or strengthen a splice site, but this prediction has not been confirmed by published transcriptional studies. For these reasons, this variant has been classified as Pathogenic.

Ambry Genetics
Classification: Pathogenic for Hereditary cancer-predisposing syndrome. Last evaluated: 2019-11-19. Review status: criteria provided, single submitter. Criteria: Ambry Variant Classification Scheme 2023. Collection method: clinical testing. Allele origin: germline.
Comment: The p.E33* pathogenic mutation (also known as c.97G>T), located in coding exon 2 of the BRCA1 gene, results from a G to T substitution at nucleotide position 97. This changes the amino acid from a glutamic acid to a stop codon within coding exon 2. This alteration is expected to result in loss of function by premature protein truncation or nonsense-mediated mRNA decay. As such, this alteration is interpreted as a disease-causing mutation.

Brotman Baty Institute, University of Washington
No classification provided (evidence only). Condition: Breast-ovarian cancer, familial 1. Review status: no classification provided. Collection method: in vitro. Allele origin: not applicable. Functional consequence: functionally_abnormal. Not counted in ClinVar's aggregate classification.
ClinVar note: "not provided" was previously submitted as the classification for the variant. However, the classification appeared to be based only on an observation of functional data so it was converted to no classification on 2025-07-30.

Literature cited by the submitters: PubMed 20104584 (cited by Labcorp Genetics (formerly Invitae), Labcorp).

NM_007294.4(BRCA1):c.97G>T (p.Glu33Ter)

Gene: BRCA1 (BRCA1 DNA repair associated; minus strand). Cytogenetic location: 17q21.31.
Variant type: single nucleotide variant.
Coding change: c.97G>T on transcript NM_007294.4 (MANE Select); coding-DNA position 97, G replaced by T.
Protein change: p.Glu33Ter; replaces glutamic acid 33 with a stop codon.
Molecular consequence: nonsense. On other transcripts: non-coding transcript variant (1), intron variant (1).
Genome position (GRCh38, 1-based): chr17:43,115,763, C>A on the plus strand (G>T on the coding strand, the complement: BRCA1 is on the minus strand). VCF-style: chr17-43115763-C-A. GRCh37 (hg19) VCF-style: chr17-41267780-C-A.
Other names: c.-92G>T (NM_001407571.1, NM_001407853.1, NM_001407879.1 and 52 more transcripts); c.97G>T, p.Glu33Ter (NM_001407581.1, NM_001407582.1, NM_001407583.1 and 192 more transcripts); c.-161G>T (NM_001407694.1, NM_001407696.1, NM_001407724.1 and 13 more transcripts); c.-165G>T (NM_001407695.1, NM_001408465.1); c.-45G>T (NM_001407697.1, NM_001407725.1, NM_001407728.1 and 47 more transcripts); c.-41G>T (NM_001407841.1); c.-208G>T (NM_001407889.1, NM_001407900.1, NM_001408492.1); c.-207G>T (NM_001407960.1, NM_001407962.1, NM_001408510.1 and 1 more transcripts); and 2 more; short protein forms E33*.
Identifiers: ClinVar variation 462693 (VCV000462693.12), dbSNP rs80357066, ClinGen allele CA10601958.